The following is an entry in ClinVar:

NM_000117.3(EMD):c.406del (p.Asp136fs)

Gene: EMD (emerin; plus strand). Cytogenetic location: Xq28.
Variant type: Deletion.
Coding change: c.406del on transcript NM_000117.3 (MANE Select); coding-DNA position 406, one base deleted (G; older notation c.406delG).
Protein change: p.Asp136fs; shifts the reading frame from aspartic acid 136.
Molecular consequence: frameshift variant.
Genome position (GRCh38, 1-based): chrX:154,380,759, G deleted. VCF-style (leftmost placement, unchanged base first): chrX-154380758-TG-T. GRCh37 (hg19) VCF-style: chrX-153609118-TG-T.
Other names: short protein forms D136fs.
Identifiers: ClinVar variation 1333316 (VCV001333316.1), dbSNP rs2148128715, ClinGen allele CA2573055169.
Genomic context (GRCh38, chrX:154,380,758, plus strand): 5'-ACAGGGCCATGGTGGCCCTGCCAGCCAGTCCCCTCGCCCTGACTCTCTTCTGCAGGTGCA[TG>T]ATGACGATCTTTTGTCTTCTTCTGAAGAGGAGTGCAAGGATAGGTGCGTAGTGGGGGAGC-3'

ClinVar aggregate classification (germline): Likely pathogenic (1 of 4 stars; one submission).

Conditions:
X-linked Emery-Dreifuss muscular dystrophy. Also called: Muscular dystrophy, tardive Emery-Dreifuss type, with contractures. Identifiers: Orphanet 261, Orphanet 98863, MedGen C0751337, MONDO:0010680.

Submission:

3billion
Classification: Likely pathogenic for Emery-Dreifuss muscular dystrophy 1, X-linked. Last evaluated: 2022-01-03. Review status: criteria provided, single submitter. Criteria: ACMG Guidelines, 2015. Collection method: clinical testing. Allele origin: germline. Affected: yes. Observed: 1 hemizygote.
Comment: Frameshift: predicted to result in a loss or disruption of normal protein function through protein truncation. The predicted truncated protein may be shortened by more than 10% (PVS1_S). It is not observed in the gnomAD v2.1.1 dataset (PM2_M). Therefore, this variant is classified as likely pathogenic according to the recommendation of ACMG/AMP guideline.